The following is an entry in ClinVar:

ClinVar aggregate classification (germline): Likely pathogenic (1 of 4 stars; one submission).

Submission:

Labcorp Genetics (formerly Invitae), Labcorp
Classification: Likely pathogenic. Last evaluated: 2024-10-17. Review status: criteria provided, single submitter. Criteria: Invitae Variant Classification Sherloc (09022015). Collection method: clinical testing. Allele origin: germline.
Comment: This sequence change affects an acceptor splice site in intron 16 of the SNX14 gene. It is expected to disrupt RNA splicing. Variants that disrupt the donor or acceptor splice site typically lead to a loss of protein function (PMID: 16199547), and loss-of-function variants in SNX14 are known to be pathogenic (PMID: 25439728, 25848753). This variant is not present in population databases (gnomAD no frequency). This variant has not been reported in the literature in individuals affected with SNX14-related conditions. Algorithms developed to predict the effect of sequence changes on RNA splicing suggest that this variant may disrupt the consensus splice site. In summary, the currently available evidence indicates that the variant is pathogenic, but additional data are needed to prove that conclusively. Therefore, this variant has been classified as Likely Pathogenic.

Literature cited by the submitters: PubMed 16199547; PubMed 25439728; PubMed 25848753.

NM_153816.6(SNX14):c.1476-1G>A

Gene: SNX14 (sorting nexin 14; minus strand). Cytogenetic location: 6q14.3.
Variant type: single nucleotide variant.
Coding change: c.1476-1G>A on transcript NM_153816.6 (MANE Select); the canonical splice acceptor site of the intron before coding-DNA position 1476, G replaced by A.
Molecular consequence: splice acceptor variant.
Genome position (GRCh38, 1-based): chr6:85,536,925, C>T on the plus strand (G>A on the coding strand, the complement: SNX14 is on the minus strand). VCF-style: chr6-85536925-C-T. GRCh37 (hg19) VCF-style: chr6-86246643-C-T.
Other names: c.1185-1G>A (NM_001350543.2); c.1317-1G>A (NM_001350539.2, NM_020468.6); c.1188-1G>A (NM_001350542.2); c.1032-1G>A (NM_001350546.2, NM_001350545.2); c.426-1G>A (NM_001350547.2); c.1176-1G>A (NM_001350544.2); c.294-1G>A (NM_001350553.2); c.321-1G>A (NM_001350549.2, NM_001350548.2, NM_001350551.2 and 2 more transcripts); and 9 more.
Identifiers: ClinVar variation 3723172 (VCV003723172.2).
Genomic context (GRCh38, chr6:85,536,925, plus strand): 5'-CCTTTAATTTTGCTACCTATTCTGCTGATTCCAAATGATTCTCCCCTTTTCTGTGTGTTC[C>T]TGAATATTAAACAAAAATGTATCAAGTACATAGCAAATTATCACAACAGTCTAGTTTATT-3'